The following is an entry in ClinVar:

ClinVar aggregate classification (germline): Likely benign. Review status: criteria provided, multiple submitters, no conflicts (2 of 4 stars). 2 submissions from 2 submitters: Likely benign (2). Last evaluated 2025-10-01.

Allele frequency attached by ClinVar (database versions not stated): gnomAD 0.00001; ExAC 0.00002; TOPMed 0.00002; gnomAD exomes 0.00003.
gnomAD v4.1: 44 of 1,611,916 alleles (0.0027%); highest among the groups gnomAD compares: Middle Eastern, 0.016%; no homozygotes.

Submissions (2):

Labcorp Genetics (formerly Invitae), Labcorp
Classification: Likely benign. Last evaluated: 2025-10-01. Review status: criteria provided, single submitter. Criteria: Invitae Variant Classification Sherloc (09022015). Collection method: clinical testing. Allele origin: germline.

CeGaT Center for Human Genetics Tuebingen
Classification: Likely benign. Last evaluated: 2024-10-01. Review status: criteria provided, single submitter. Criteria: CeGaT Center For Human Genetics Tuebingen Variant Classification Criteria Version 2. Collection method: clinical testing. Allele origin: germline. Affected: yes. Observed: 1 variant allele.
Comment: SLC12A6: BP4, BP7

NM_001365088.1(SLC12A6):c.3273C>T (p.Asn1091=)

Gene: SLC12A6 (solute carrier family 12 member 6; minus strand). Cytogenetic location: 15q14.
Variant type: single nucleotide variant.
Coding change: c.3273C>T on transcript NM_001365088.1 (MANE Select); coding-DNA position 3273, C replaced by T.
Protein change: p.Asn1091=; no amino-acid change (asparagine 1091 retained).
Molecular consequence: synonymous variant.
Genome position (GRCh38, 1-based): chr15:34,235,269, G>A on the plus strand (C>T on the coding strand, the complement: SLC12A6 is on the minus strand). VCF-style: chr15-34235269-G-A. GRCh37 (hg19) VCF-style: chr15-34527470-G-A.
Other names: c.3096C>T, p.Asn1032= (NM_001042494.2, NM_001042495.2); c.3246C>T, p.Asn1082= (NM_001042496.2); c.3228C>T, p.Asn1076= (NM_001042497.2); c.3120C>T, p.Asn1040= (NM_005135.2); c.3273C>T, p.Asn1091= (NM_133647.2).
Identifiers: ClinVar variation 1155660 (VCV001155660.23), dbSNP rs773205027, ClinGen allele CA7463877.